The following is an entry in ClinVar:

NM_152490.5(B3GALNT2):c.362-1G>C

Gene: B3GALNT2 (beta-1,3-N-acetylgalactosaminyltransferase 2; minus strand). Cytogenetic location: 1q42.3.
Variant type: single nucleotide variant.
Coding change: c.362-1G>C on transcript NM_152490.5 (MANE Select); the canonical splice acceptor site of the intron before coding-DNA position 362, G replaced by C.
Molecular consequence: splice acceptor variant.
Genome position (GRCh38, 1-based): chr1:235,484,516, C>G on the plus strand (G>C on the coding strand, the complement: B3GALNT2 is on the minus strand). VCF-style: chr1-235484516-C-G. GRCh37 (hg19) VCF-style: chr1-235647832-C-G.
Other names: c.485-1G>C (NM_001277155.3).
Identifiers: ClinVar variation 1500600 (VCV001500600.8), dbSNP rs2102844404, ClinGen allele CA344925746.

ClinVar aggregate classification (germline): Likely pathogenic (1 of 4 stars; one submission).

Conditions:
Muscular dystrophy-dystroglycanopathy (congenital with brain and eye anomalies), type a, 11 (MDDGA11). Also called: Muscular dystrophy-dystroglycanopathy (congenital with brain and eye anomalies, type A, 11; WALKER-WARBURG SYNDROME OR MUSCLE-EYE-BRAIN DISEASE, B3GALNT2-RELATED; Congenital muscular dystrophy-dystroglycanopathy with brain and eye anomalies, type A11. Identifiers: Orphanet 588, Orphanet 899, MedGen C3554638, MONDO:0014071, OMIM 615181.

Submission:

Labcorp Genetics (formerly Invitae), Labcorp
Classification: Likely pathogenic for Muscular dystrophy-dystroglycanopathy (congenital with brain and eye anomalies), type a, 11. Last evaluated: 2021-01-19. Review status: criteria provided, single submitter. Criteria: Invitae Variant Classification Sherloc (09022015). Collection method: clinical testing. Allele origin: germline.
Comment: This sequence change affects an acceptor splice site in intron 3 of the B3GALNT2 gene. It is expected to disrupt RNA splicing. Variants that disrupt the donor or acceptor splice site typically lead to a loss of protein function (PMID: 16199547), and loss-of-function variants in B3GALNT2 are known to be pathogenic (PMID: 23453667). This variant is not present in population databases (ExAC no frequency). This variant has not been reported in the literature in individuals with B3GALNT2-related conditions. In summary, the currently available evidence indicates that the variant is pathogenic, but additional data are needed to prove that conclusively. Therefore, this variant has been classified as Likely Pathogenic.

Literature cited by the submitters: PubMed 16199547; PubMed 23453667.